The following is an entry in ClinVar:

ClinVar aggregate classification (germline): Uncertain significance (1 of 4 stars; one submission).

Conditions:
Hypertrophic cardiomyopathy. Also called: HYPERTROPHIC MYOCARDIOPATHY. Identifiers: Orphanet 217569, MedGen C0007194, MeSH D002312, MONDO:0005045, HP:0001639.

Submission:

Labcorp Genetics (formerly Invitae), Labcorp
Classification: Uncertain significance for Hypertrophic cardiomyopathy. Last evaluated: 2021-07-31. Review status: criteria provided, single submitter. Criteria: Invitae Variant Classification Sherloc (09022015). Collection method: clinical testing. Allele origin: germline.
Comment: This sequence change replaces methionine with leucine at codon 844 of the MYBPC3 protein (p.Met844Leu). The methionine residue is highly conserved and there is a small physicochemical difference between methionine and leucine. This variant is not present in population databases (ExAC no frequency). This variant has not been reported in the literature in individuals affected with MYBPC3-related conditions. Algorithms developed to predict the effect of missense changes on protein structure and function are either unavailable or do not agree on the potential impact of this missense change (SIFT: "Deleterious"; PolyPhen-2: "Benign"; Align-GVGD: "Class C0"). In summary, the available evidence is currently insufficient to determine the role of this variant in disease. Therefore, it has been classified as a Variant of Uncertain Significance.

NM_000256.3(MYBPC3):c.2530A>T (p.Met844Leu)

Gene: MYBPC3 (myosin binding protein C3; minus strand). Cytogenetic location: 11p11.2.
Variant type: single nucleotide variant.
Coding change: c.2530A>T on transcript NM_000256.3 (MANE Select); coding-DNA position 2530, A replaced by T.
Protein change: p.Met844Leu; replaces methionine 844 with leucine.
Molecular consequence: missense variant.
Genome position (GRCh38, 1-based): chr11:47,337,463, T>A on the plus strand (A>T on the coding strand, the complement: MYBPC3 is on the minus strand). VCF-style: chr11-47337463-T-A. GRCh37 (hg19) VCF-style: chr11-47359014-T-A.
Other names: short protein forms M844L.
Identifiers: ClinVar variation 1469128 (VCV001469128.6), dbSNP rs2142855266, ClinGen allele CA380318178.